The following is an entry in ClinVar:

NM_000875.5(IGF1R):c.2078G>A (p.Gly693Asp)

Gene: IGF1R (insulin like growth factor 1 receptor; plus strand). Cytogenetic location: 15q26.3.
Variant type: single nucleotide variant.
Coding change: c.2078G>A on transcript NM_000875.5 (MANE Select); coding-DNA position 2078, G replaced by A.
Protein change: p.Gly693Asp; replaces glycine 693 with aspartic acid.
Molecular consequence: missense variant.
Genome position (GRCh38, 1-based): chr15:98,916,753, G>A. VCF-style: chr15-98916753-G-A. GRCh37 (hg19) VCF-style: chr15-99459982-G-A.
Other names: c.2078G>A, p.Gly693Asp (NM_001291858.2); short protein forms G693D.
Identifiers: ClinVar variation 2220079 (VCV002220079.4), dbSNP rs761581251, ClinGen allele CA7752290.

ClinVar aggregate classification (germline): Uncertain significance. Review status: criteria provided, multiple submitters, no conflicts (2 of 4 stars). 2 submissions from 2 submitters: Uncertain significance (2). Last evaluated 2025-09-16.

Conditions:
Inborn genetic diseases. Identifiers: MedGen C0950123, MeSH D030342.

Allele frequency attached by ClinVar (database versions not stated): ExAC 0.00001; gnomAD exomes 0.00001.
gnomAD v4.1: 13 of 1,614,096 alleles (0.00081%); highest among the groups gnomAD compares: Admixed American, 0.005%; no homozygotes.

Submissions (2):

Labcorp Genetics (formerly Invitae), Labcorp
Classification: Uncertain significance. Last evaluated: 2025-09-16. Review status: criteria provided, single submitter. Criteria: Invitae Variant Classification Sherloc (09022015). Collection method: clinical testing. Allele origin: germline.
Comment: This sequence change replaces glycine, which is neutral and non-polar, with aspartic acid, which is acidic and polar, at codon 693 of the IGF1R protein (p.Gly693Asp). This variant is present in population databases (rs761581251, gnomAD 0.009%). This variant has not been reported in the literature in individuals affected with IGF1R-related conditions. ClinVar contains an entry for this variant (Variation ID: 2220079). An algorithm developed to predict the effect of missense changes on protein structure and function (PolyPhen-2) suggests that this variant is likely to be disruptive. In summary, the available evidence is currently insufficient to determine the role of this variant in disease. Therefore, it has been classified as a Variant of Uncertain Significance.

Ambry Genetics
Classification: Uncertain significance for Inborn genetic diseases. Last evaluated: 2022-12-01. Review status: criteria provided, single submitter. Criteria: Ambry Variant Classification Scheme 2023. Collection method: clinical testing. Allele origin: germline.